The following is an entry in ClinVar:

NM_001365999.1(SZT2):c.7780G>T (p.Gly2594Trp)

Gene: SZT2 (SZT2 subunit of KICSTOR complex; plus strand). Cytogenetic location: 1p34.2.
Variant type: single nucleotide variant.
Coding change: c.7780G>T on transcript NM_001365999.1 (MANE Select); coding-DNA position 7780, G replaced by T.
Protein change: p.Gly2594Trp; replaces glycine 2594 with tryptophan.
Molecular consequence: missense variant.
Genome position (GRCh38, 1-based): chr1:43,442,037, G>T. VCF-style: chr1-43442037-G-T. GRCh37 (hg19) VCF-style: chr1-43907708-G-T.
Other names: c.7609G>T, p.Gly2537Trp (NM_015284.4); short protein forms G2537W, G2594W.
Identifiers: ClinVar variation 1312848 (VCV001312848.2), dbSNP rs769284740, ClinGen allele CA810335.

ClinVar aggregate classification (germline): Uncertain significance (1 of 4 stars; one submission).

Allele frequency attached by ClinVar (database versions not stated): gnomAD exomes below 0.00001; ExAC 0.00001.
gnomAD v4.1: 1 of 1,614,082 alleles (0.000062%); highest among the groups gnomAD compares: Non-Finnish European, 0.000085%; no homozygotes.

Submission:

GeneDx
Classification: Uncertain significance. Last evaluated: 2020-06-26. Review status: criteria provided, single submitter. Criteria: GeneDx Variant Classification Process June 2021. Collection method: clinical testing. Allele origin: germline. Affected: yes.
Comment: Not observed at a significant frequency in large population cohorts (Lek et al., 2016); In silico analysis supports that this missense variant does not alter protein structure/function; Has not been previously published as pathogenic or benign to our knowledge